The following is an entry in ClinVar:

NM_005032.7(PLS3):c.766C>T (p.Arg256Ter)

Gene: PLS3 (plastin 3; plus strand). Cytogenetic location: Xq23.
Variant type: single nucleotide variant.
Coding change: c.766C>T on transcript NM_005032.7 (MANE Select); coding-DNA position 766, C replaced by T.
Protein change: p.Arg256Ter; replaces arginine 256 with a stop codon.
Molecular consequence: nonsense.
Genome position (GRCh38, 1-based): chrX:115,636,853, C>T. VCF-style: chrX-115636853-C-T. GRCh37 (hg19) VCF-style: chrX-114871165-C-T.
Other names: c.685C>T, p.Arg229Ter (NM_001172335.3); c.700C>T, p.Arg234Ter (NM_001282337.2); c.631C>T, p.Arg211Ter (NM_001282338.2); c.766C>T, p.Arg256Ter (NM_001136025.5); short protein forms R211*, R229*, R234*, R256*.
Identifiers: ClinVar variation 1335789 (VCV001335789.37), dbSNP rs2147558436, ClinGen allele CA414334292.

ClinVar aggregate classification (germline): Pathogenic. Review status: criteria provided, multiple submitters, no conflicts (2 of 4 stars). 3 submissions from 3 submitters: Pathogenic (3). Last evaluated 2026-01-14.

Conditions:
Bone mineral density quantitative trait locus 18 (BMND18). Also called: OSTEOPOROSIS AND OSTEOPOROTIC FRACTURES, SUSCEPTIBILITY TO; Bone mineral density QTL18, osteoporosis. Identifiers: Orphanet 391330, MedGen C3806712, OMIM 300910.

Submissions (3):

3billion
Classification: Pathogenic for Bone mineral density quantitative trait locus 18. Last evaluated: 2026-01-14. Review status: criteria provided, single submitter. Criteria: ACMG Guidelines, 2015. Collection method: clinical testing. Allele origin: germline. Affected: yes.
Comment: The variant is observed at an extremely low frequency in the gnomAD v4.1.0 dataset (total allele frequency: <0.001%). Predicted Consequence/Location: Stop-gained (nonsense): predicted to result in a loss or disruption of normal protein function through nonsense-mediated decay (NMD) or protein truncation. Multiple pathogenic variants are reported downstream of the variant. The variant has been reported at least twice as pathogenic with clinical assertions and evidence for the classification (ClinVar ID: VCV001335789 /PMID: 28748388). Therefore, this variant is classified as Pathogenic according to the recommendation of ACMG/AMP guideline.

CeGaT Center for Human Genetics Tuebingen
Classification: Pathogenic. Last evaluated: 2025-07-01. Review status: criteria provided, single submitter. Criteria: CeGaT Center For Human Genetics Tuebingen Variant Classification Criteria Version 2. Collection method: clinical testing. Allele origin: germline. Affected: yes. Observed: 5 variant alleles.
Comment: PLS3: PVS1, PM2, PS4:Supporting

Labcorp Genetics (formerly Invitae), Labcorp
Classification: Pathogenic. Last evaluated: 2024-06-11. Review status: criteria provided, single submitter. Criteria: Invitae Variant Classification Sherloc (09022015). Collection method: clinical testing. Allele origin: germline.
Comment: This sequence change creates a premature translational stop signal (p.Arg256*) in the PLS3 gene. It is expected to result in an absent or disrupted protein product. Loss-of-function variants in PLS3 are known to be pathogenic (PMID: 24088043, 30405713, 33166085). This variant is not present in population databases (gnomAD no frequency). This premature translational stop signal has been observed in individual(s) with bilateral femoral fractures (PMID: 28748388). ClinVar contains an entry for this variant (Variation ID: 1335789). For these reasons, this variant has been classified as Pathogenic.

Literature cited by the submitters: PubMed 28748388 (cited by 3billion and Labcorp Genetics (formerly Invitae), Labcorp); PubMed 24088043 (cited by Labcorp Genetics (formerly Invitae), Labcorp); PubMed 30405713 (cited by Labcorp Genetics (formerly Invitae), Labcorp); PubMed 33166085 (cited by Labcorp Genetics (formerly Invitae), Labcorp).